The following is an entry in ClinVar:

NM_002432.3(MNDA):c.946G>A (p.Ala316Thr)

Gene: MNDA (myeloid cell nuclear differentiation antigen; plus strand). Cytogenetic location: 1q23.1.
Variant type: single nucleotide variant.
Coding change: c.946G>A on transcript NM_002432.3 (MANE Select); coding-DNA position 946, G replaced by A.
Protein change: p.Ala316Thr; replaces alanine 316 with threonine.
Molecular consequence: missense variant.
Genome position (GRCh38, 1-based): chr1:158,845,962, G>A. VCF-style: chr1-158845962-G-A. GRCh37 (hg19) VCF-style: chr1-158815752-G-A.
Other names: short protein forms A316T.
Identifiers: ClinVar variation 3295427 (VCV003295427.1).

ClinVar aggregate classification (germline): Uncertain significance (1 of 4 stars; one submission).

gnomAD v4.1: 1 of 1,614,072 alleles (0.000062%); highest among the groups gnomAD compares: Non-Finnish European, 0.000085%; no homozygotes.

Submission:

Ambry Genetics
Classification: Uncertain significance. Last evaluated: 2024-06-15. Review status: criteria provided, single submitter. Criteria: Ambry Variant Classification Scheme 2023. Collection method: clinical testing. Allele origin: germline.
Comment: The p.A316T variant (also known as c.946G>A), located in coding exon 4 of the MNDA gene, results from a G to A substitution at nucleotide position 946. The alanine at codon 316 is replaced by threonine, an amino acid with similar properties. This amino acid position is conserved. In addition, this alteration is predicted to be tolerated by in silico analysis. Based on the available evidence, the clinical significance of this variant remains unclear.